The following is an entry in ClinVar:

ClinVar aggregate classification (germline): Pathogenic (1 of 4 stars; one submission).

Conditions:
Dyskeratosis congenita. Identifiers: Orphanet 1775, MedGen C0265965, MONDO:0015780.

Allele frequency attached by ClinVar (database versions not stated): gnomAD exomes below 0.00001.
gnomAD v4.1: 1 of 1,564,226 alleles (0.000064%); highest among the groups gnomAD compares: Non-Finnish European, 0.000087%; no homozygotes.

Submission:

Bone Marrow Failure laboratory, Queen Mary University London
Classification: Pathogenic for Dyskeratosis congenita. Last evaluated: 2022-06-22. Review status: criteria provided, single submitter. Criteria: ACMG Guidelines, 2015. Collection method: research. Allele origin: unknown. Inheritance: Oligogenic inheritance. Affected: yes.
Comment: The following ACMG/AMP criteria were used: PVS1, PM2_supporting, PP3

NM_001071.4(TYMS):c.811C>T (p.Arg271Ter)

Genes: ENOSF1 (enolase superfamily member 1; minus strand), TYMS (thymidylate synthetase; plus strand). Cytogenetic location: 18p11.32.
Variant type: single nucleotide variant.
Coding change: c.811C>T on transcript NM_001071.4 (MANE Select); coding-DNA position 811, C replaced by T.
Protein change: p.Arg271Ter; replaces arginine 271 with a stop codon.
Molecular consequence: nonsense. On other transcripts: 3 prime UTR variant (7), non-coding transcript variant (7).
Genome position (GRCh38, 1-based): chr18:672,866, C>T. VCF-style: chr18-672866-C-T. GRCh37 (hg19) VCF-style: chr18-672866-C-T.
Other names: c.*1439G>A (NM_001318760.2, NM_001354065.2, NM_001354066.2 and 4 more transcripts); c.709C>T, p.Arg237Ter (NM_001354867.2); c.562C>T, p.Arg188Ter (NM_001354868.2); short protein forms R188*, R237*, R271*.
Identifiers: ClinVar variation 1693540 (VCV001693540.2), dbSNP rs1703168604, ClinGen allele CA401660037.